The following is an entry in ClinVar:

ClinVar aggregate classification (germline): Uncertain significance (1 of 4 stars; one submission).

Submission:

Ambry Genetics
Classification: Uncertain significance. Last evaluated: 2023-06-11. Review status: criteria provided, single submitter. Criteria: Ambry Variant Classification Scheme 2023. Collection method: clinical testing. Allele origin: germline.
Comment: The p.T1012I variant (also known as c.3035C>T), located in coding exon 4 of the ALPK2 gene, results from a C to T substitution at nucleotide position 3035. The threonine at codon 1012 is replaced by isoleucine, an amino acid with similar properties. This amino acid position is conserved. In addition, this alteration is predicted to be tolerated by in silico analysis. Since supporting evidence is limited at this time, the clinical significance of this alteration remains unclear.

NM_052947.4(ALPK2):c.3035C>T (p.Thr1012Ile)

Gene: ALPK2 (alpha kinase 2; minus strand). Cytogenetic location: 18q21.31.
Variant type: single nucleotide variant.
Coding change: c.3035C>T on transcript NM_052947.4 (MANE Select); coding-DNA position 3035, C replaced by T.
Protein change: p.Thr1012Ile; replaces threonine 1012 with isoleucine.
Molecular consequence: missense variant.
Genome position (GRCh38, 1-based): chr18:58,537,152, G>A on the plus strand (C>T on the coding strand, the complement: ALPK2 is on the minus strand). VCF-style: chr18-58537152-G-A. GRCh37 (hg19) VCF-style: chr18-56204384-G-A.
Other names: short protein forms T1012I.
Identifiers: ClinVar variation 2564123 (VCV002564123.2), dbSNP rs2518876977, ClinGen allele CA402569237.